The following is an entry in ClinVar:

NM_005529.7(HSPG2):c.5523C>T (p.Thr1841=)

Gene: HSPG2 (heparan sulfate proteoglycan 2; minus strand). Cytogenetic location: 1p36.12.
Variant type: single nucleotide variant.
Coding change: c.5523C>T on transcript NM_005529.7 (MANE Select); coding-DNA position 5523, C replaced by T.
Protein change: p.Thr1841=; no amino-acid change (threonine 1841 retained).
Molecular consequence: synonymous variant.
Genome position (GRCh38, 1-based): chr1:21,857,067, G>A on the plus strand (C>T on the coding strand, the complement: HSPG2 is on the minus strand). VCF-style: chr1-21857067-G-A. GRCh37 (hg19) VCF-style: chr1-22183560-G-A.
Other names: c.5523C>T (NM_005529.6); c.5526C>T, p.Thr1842= (NM_001291860.2).
Identifiers: ClinVar variation 2898534 (VCV002898534.18), dbSNP rs371342914, ClinGen allele CA671904.

ClinVar aggregate classification (germline): Likely benign. Review status: criteria provided, multiple submitters, no conflicts (2 of 4 stars). 3 submissions from 3 submitters: Likely benign (2). 1 of the submissions does not count toward it. Last evaluated 2025-01-01.

Conditions:
HSPG2-related disorder. Also called: HSPG2-related condition; HSPG2-related disorders.

Allele frequency attached by ClinVar (database versions not stated): ExAC 0.00006; gnomAD 0.00011; TOPMed 0.00011; ESP Exome Variant Server 0.00023; 1000 Genomes Project 30x 0.00016; 1000 Genomes Project 0.00020.
gnomAD v4.1: 169 of 1,614,136 alleles (0.01%); highest among the groups gnomAD compares: African/African-American, 0.029%; no homozygotes.

Submissions (3):

CeGaT Center for Human Genetics Tuebingen
Classification: Likely benign. Last evaluated: 2025-01-01. Review status: criteria provided, single submitter. Criteria: CeGaT Center For Human Genetics Tuebingen Variant Classification Criteria Version 2. Collection method: clinical testing. Allele origin: germline. Affected: yes. Observed: 1 variant allele.
Comment: HSPG2: BP4, BP7

Labcorp Genetics (formerly Invitae), Labcorp
Classification: Likely benign. Last evaluated: 2023-05-30. Review status: criteria provided, single submitter. Criteria: Invitae Variant Classification Sherloc (09022015). Collection method: clinical testing. Allele origin: germline.

PreventionGenetics, part of Exact Sciences
Classification: Likely benign for HSPG2-related condition. Last evaluated: 2019-03-06. Review status: no assertion criteria provided. Collection method: clinical testing. Allele origin: germline. Not counted in ClinVar's aggregate classification.
Comment: This variant is classified as likely benign based on ACMG/AMP sequence variant interpretation guidelines (Richards et al. 2015 PMID: 25741868, with internal and published modifications).